The following is an entry in ClinVar:

NM_001111067.4(ACVR1):c.1400T>C (p.Leu467Ser)

Gene: ACVR1 (activin A receptor type 1; minus strand). Cytogenetic location: 2q24.1.
Variant type: single nucleotide variant.
Coding change: c.1400T>C on transcript NM_001111067.4 (MANE Select); coding-DNA position 1400, T replaced by C.
Protein change: p.Leu467Ser; replaces leucine 467 with serine.
Molecular consequence: missense variant.
Genome position (GRCh38, 1-based): chr2:157,737,661, A>G on the plus strand (T>C on the coding strand, the complement: ACVR1 is on the minus strand). VCF-style: chr2-157737661-A-G. GRCh37 (hg19) VCF-style: chr2-158594173-A-G.
Other names: c.1400T>C, p.Leu467Ser (NM_001105.5, NM_001347663.1, NM_001347664.1 and 3 more transcripts); short protein forms L467S.
Identifiers: ClinVar variation 4727806 (VCV004727806.1).

ClinVar aggregate classification (germline): Uncertain significance (1 of 4 stars; one submission).

Submission:

Labcorp Genetics (formerly Invitae), Labcorp
Classification: Uncertain significance. Last evaluated: 2025-09-24. Review status: criteria provided, single submitter. Criteria: Invitae Variant Classification Sherloc (09022015). Collection method: clinical testing. Allele origin: germline.
Comment: This sequence change replaces leucine, which is neutral and non-polar, with serine, which is neutral and polar, at codon 467 of the ACVR1 protein (p.Leu467Ser). This variant is not present in population databases (gnomAD no frequency). This variant has not been reported in the literature in individuals affected with ACVR1-related conditions. An algorithm developed to predict the effect of missense changes on protein structure and function (PolyPhen-2) suggests that this variant is likely to be disruptive. In summary, the available evidence is currently insufficient to determine the role of this variant in disease. Therefore, it has been classified as a Variant of Uncertain Significance.